The following is an entry in ClinVar:

NM_005535.3(IL12RB1):c.206C>T (p.Pro69Leu)

Gene: IL12RB1 (interleukin 12 receptor subunit beta 1; minus strand). Cytogenetic location: 19p13.11.
Variant type: single nucleotide variant.
Coding change: c.206C>T on transcript NM_005535.3 (MANE Select); coding-DNA position 206, C replaced by T.
Protein change: p.Pro69Leu; replaces proline 69 with leucine.
Molecular consequence: missense variant.
Genome position (GRCh38, 1-based): chr19:18,082,183, G>A on the plus strand (C>T on the coding strand, the complement: IL12RB1 is on the minus strand). VCF-style: chr19-18082183-G-A. GRCh37 (hg19) VCF-style: chr19-18192993-G-A.
Other names: c.206C>T, p.Pro69Leu (NM_001290023.2, NM_153701.3); c.326C>T, p.Pro109Leu (NM_001290024.2); short protein forms P69L, P109L.
Identifiers: ClinVar variation 1996819 (VCV001996819.4), dbSNP rs756580080, ClinGen allele CA9305303.
Genomic context (GRCh38, chr19:18,082,183, plus strand): 5'-GTTTGGGAATGGTAGAGGGGTCCTCACCAACACCGCAGGAAGTGGCTGACCCCAGCTGTG[G>A]GACCCTCATACTGCCAGGAGCACTCGTAACGATCACTGGATATCCGATAGCATCTCAGGT-3'
Protein context (NP_005526.1, residues 59-79): RYECSWQYEG[Pro69Leu]TAGVSHFLRC

ClinVar aggregate classification (germline): Uncertain significance (1 of 4 stars; one submission).

Conditions:
Mendelian susceptibility to mycobacterial diseases due to complete IL12RB1 deficiency. Also called: IL12RB1 DEFICIENCY; Immunodeficiency 30. Identifiers: Orphanet 319552, MedGen C4013949, MONDO:0013955, OMIM 614891.

Allele frequency attached by ClinVar (database versions not stated): gnomAD exomes 0.00001; ExAC 0.00003.
gnomAD v4.1: 13 of 1,613,352 alleles (0.00081%); highest among the groups gnomAD compares: South Asian, 0.014%; no homozygotes.

Submission:

Labcorp Genetics (formerly Invitae), Labcorp
Classification: Uncertain significance for Mendelian susceptibility to mycobacterial diseases due to complete IL12RB1 deficiency. Last evaluated: 2025-05-16. Review status: criteria provided, single submitter. Criteria: Invitae Variant Classification Sherloc (09022015). Collection method: clinical testing. Allele origin: germline.
Comment: This sequence change replaces proline, which is neutral and non-polar, with leucine, which is neutral and non-polar, at codon 69 of the IL12RB1 protein (p.Pro69Leu). This variant is present in population databases (rs756580080, gnomAD 0.02%). This variant has not been reported in the literature in individuals affected with IL12RB1-related conditions. ClinVar contains an entry for this variant (Variation ID: 1996819). Invitae Evidence Modeling of protein sequence and biophysical properties (such as structural, functional, and spatial information, amino acid conservation, physicochemical variation, residue mobility, and thermodynamic stability) indicates that this missense variant is expected to disrupt IL12RB1 protein function with a positive predictive value of 80%. In summary, the available evidence is currently insufficient to determine the role of this variant in disease. Therefore, it has been classified as a Variant of Uncertain Significance.